The following is an entry in ClinVar:

ClinVar aggregate classification (germline): Pathogenic (1 of 4 stars; one submission).

Submission:

Labcorp Genetics (formerly Invitae), Labcorp
Classification: Pathogenic. Last evaluated: 2021-07-30. Review status: criteria provided, single submitter. Criteria: Invitae Variant Classification Sherloc (09022015). Collection method: clinical testing. Allele origin: germline.
Comment: For these reasons, this variant has been classified as Pathogenic. This variant has not been reported in the literature in individuals affected with MPV17-related conditions. This variant is not present in population databases (ExAC no frequency). This sequence change creates a premature translational stop signal (p.Gln19Argfs*3) in the MPV17 gene. It is expected to result in an absent or disrupted protein product. Loss-of-function variants in MPV17 are known to be pathogenic (PMID: 23714749).

Literature cited by the submitters: PubMed 23714749.

NM_002437.5(MPV17):c.55del (p.Gln19fs)

Gene: MPV17 (mitochondrial inner membrane protein MPV17; minus strand). Cytogenetic location: 2p23.3.
Variant type: Deletion.
Coding change: c.55del on transcript NM_002437.5 (MANE Select); coding-DNA position 55, one base deleted (C; older notation c.55delC).
Protein change: p.Gln19fs; shifts the reading frame from glutamine 19.
Molecular consequence: frameshift variant.
Genome position (GRCh38, 1-based): chr2:27,322,463, G deleted on the plus strand (C on the coding strand, the reverse complement: MPV17 is on the minus strand). VCF-style (leftmost placement, unchanged base first): chr2-27322462-TG-T. GRCh37 (hg19) VCF-style: chr2-27545329-TG-T.
Other names: short protein forms Q19fs.
Identifiers: ClinVar variation 1359189 (VCV001359189.6), dbSNP rs2148225515, ClinGen allele CA2573134602.